The following is an entry in ClinVar:

ClinVar aggregate classification (germline): Uncertain significance. Review status: criteria provided, multiple submitters, no conflicts (2 of 4 stars). 2 submissions from 2 submitters: Uncertain significance (2). Last evaluated 2024-06-16.

Conditions:
Cardiomyopathy, familial hypertrophic, 28. Identifiers: MedGen C5543616, MONDO:0030317, OMIM 619402.
Inborn genetic diseases. Identifiers: MedGen C0950123, MeSH D030342.

Allele frequency attached by ClinVar (database versions not stated): TOPMed below 0.00001; gnomAD 0.00001; gnomAD exomes 0.00001; 1000 Genomes Project 30x 0.00016; 1000 Genomes Project 0.00020.
gnomAD v4.1: 14 of 1,612,194 alleles (0.00087%); highest among the groups gnomAD compares: South Asian, 0.0077%; no homozygotes.

Submissions (2):

Ambry Genetics
Classification: Uncertain significance for Inborn genetic diseases. Last evaluated: 2024-06-16. Review status: criteria provided, single submitter. Criteria: Ambry Variant Classification Scheme 2023. Collection method: clinical testing. Allele origin: germline.

Neuberg Centre For Genomic Medicine, NCGM
Classification: Uncertain significance for Cardiomyopathy, familial hypertrophic, 28. Review status: criteria provided, single submitter. Criteria: ACMG Guidelines, 2015. Collection method: clinical testing. Allele origin: germline. Inheritance: Autosomal dominant inheritance. Affected: yes.
Comment: The missense c.4324G>T(p.Ala1442Ser) variant in FHOD3 gene has not been reported previously as a pathogenic variant nor as a benign variant, to our knowledge. The p.Ala1442Ser variant is observed in 0.0004% alleles in gnomAD Exomes and is novel (not in any individuals) in 1000 Genomes. The amino acid Ala at position 1442 is changed to a Ser changing protein sequence and it might alter its composition and physico-chemical properties. The variant is predicted to be damaging by PolyPhen2 and the residue is conserved across species. The amino acid change p.Ala1442Ser in FHOD3 is predicted as conserved by GERP++ and PhyloP across 100 vertebrates. For these reasons, this variant has been classified as Uncertain Significance.

NM_001281740.3(FHOD3):c.4324G>T (p.Ala1442Ser)

Gene: FHOD3 (formin homology 2 domain containing 3; plus strand). Cytogenetic location: 18q12.2.
Variant type: single nucleotide variant.
Coding change: c.4324G>T on transcript NM_001281740.3 (MANE Select); coding-DNA position 4324, G replaced by T.
Protein change: p.Ala1442Ser; replaces alanine 1442 with serine.
Molecular consequence: missense variant.
Genome position (GRCh38, 1-based): chr18:36,755,210, G>T. VCF-style: chr18-36755210-G-T. GRCh37 (hg19) VCF-style: chr18-34335173-G-T.
Other names: c.3748G>T, p.Ala1250Ser (NM_001281739.3); c.3799G>T, p.Ala1267Ser (NM_025135.5); c.3799G>T (NM_025135.2); short protein forms A1442S, A1267S, A1250S.
Identifiers: ClinVar variation 2585290 (VCV002585290.2), dbSNP rs557997491, ClinGen allele CA298687749.